The following is an entry in ClinVar:

NM_003640.5(ELP1):c.1385C>G (p.Thr462Arg)

Gene: ELP1 (elongator acetyltransferase complex subunit 1; minus strand). Cytogenetic location: 9q31.3.
Variant type: single nucleotide variant.
Coding change: c.1385C>G on transcript NM_003640.5 (MANE Select); coding-DNA position 1385, C replaced by G.
Protein change: p.Thr462Arg; replaces threonine 462 with arginine.
Molecular consequence: missense variant.
Genome position (GRCh38, 1-based): chr9:108,908,380, G>C on the plus strand (C>G on the coding strand, the complement: ELP1 is on the minus strand). VCF-style: chr9-108908380-G-C. GRCh37 (hg19) VCF-style: chr9-111670660-G-C.
Other names: c.1043C>G, p.Thr348Arg (NM_001318360.2); c.338C>G, p.Thr113Arg (NM_001330749.2); short protein forms T113R, T462R, T348R.
Identifiers: ClinVar variation 860098 (VCV000860098.8), dbSNP rs754743691, ClinGen allele CA5175032.

ClinVar aggregate classification (germline): Uncertain significance. Review status: criteria provided, multiple submitters, no conflicts (2 of 4 stars). 3 submissions from 3 submitters: Uncertain significance (2). 1 of the submissions does not count toward it. Last evaluated 2025-12-10.

Conditions:
Familial dysautonomia. Also called: HSAN III; FD. Identifiers: Orphanet 1764, MedGen C0013364, MONDO:0009131, OMIM 223900. Disease mechanism: loss of function.

Allele frequency attached by ClinVar (database versions not stated): TOPMed below 0.00001; ExAC 0.00001; gnomAD 0.00001; gnomAD exomes 0.00001.
gnomAD v4.1: 4 of 1,613,974 alleles (0.00025%); highest among the groups gnomAD compares: Non-Finnish European, 0.00034%; no homozygotes.

Submissions (3):

Ambry Genetics
Classification: Uncertain significance. Last evaluated: 2025-12-10. Review status: criteria provided, single submitter. Criteria: Ambry Variant Classification Scheme 2023. Collection method: clinical testing. Allele origin: germline.

Labcorp Genetics (formerly Invitae), Labcorp
Classification: Uncertain significance. Last evaluated: 2021-08-27. Review status: criteria provided, single submitter. Criteria: Invitae Variant Classification Sherloc (09022015). Collection method: clinical testing. Allele origin: germline.
Comment: This sequence change replaces threonine with arginine at codon 462 of the ELP1 protein (p.Thr462Arg). The threonine residue is moderately conserved and there is a moderate physicochemical difference between threonine and arginine. This variant is present in population databases (rs754743691, ExAC 0.002%). This variant has not been reported in the literature in individuals affected with ELP1-related conditions. Algorithms developed to predict the effect of missense changes on protein structure and function are either unavailable or do not agree on the potential impact of this missense change (SIFT: "Tolerated"; PolyPhen-2: "Probably Damaging"; Align-GVGD: "Class C0"). Algorithms developed to predict the effect of sequence changes on RNA splicing suggest that this variant may create or strengthen a splice site. In summary, the available evidence is currently insufficient to determine the role of this variant in disease. Therefore, it has been classified as a Variant of Uncertain Significance.

Natera, Inc.
Classification: Uncertain significance for Familial dysautonomia. Last evaluated: 2020-09-16. Review status: no assertion criteria provided. Collection method: clinical testing. Allele origin: germline. Not counted in ClinVar's aggregate classification.